The following is an entry in ClinVar:

NM_000540.3(RYR1):c.6418C>T (p.Arg2140Trp)

Gene: RYR1 (ryanodine receptor 1; plus strand). Cytogenetic location: 19q13.2.
Variant type: single nucleotide variant.
Coding change: c.6418C>T on transcript NM_000540.3 (MANE Select); coding-DNA position 6418, C replaced by T.
Protein change: p.Arg2140Trp; replaces arginine 2140 with tryptophan.
Molecular consequence: missense variant.
Genome position (GRCh38, 1-based): chr19:38,494,495, C>T. VCF-style: chr19-38494495-C-T. GRCh37 (hg19) VCF-style: chr19-38985135-C-T.
Other names: c.6418C>T, p.Arg2140Trp (NM_001042723.2); short protein forms R2140W.
Identifiers: ClinVar variation 450761 (VCV000450761.15), dbSNP rs750275456, ClinGen allele CA068233.

ClinVar aggregate classification (germline): Conflicting classifications of pathogenicity. Review status: criteria provided, conflicting classifications (1 of 4 stars). 6 submissions from 6 submitters: Likely pathogenic (1); Uncertain significance (5). Last evaluated 2025-07-09.

Conditions:
RYR1-related disorder. Also called: RYR1-related condition; RYR1-related disorders. Identifiers: MedGen CN239331.
Malignant hyperthermia, susceptibility to, 1 (MHS1). Also called: RYR1-Related Malignant Hyperthermia Susceptibility; Malignant hyperthermia suceptibility 1; Anesthesia related hyperthermia; Malignant hyperpyrexia; Fulminating hyperpyrexia; Pharmacogenic myopathy. Identifiers: Orphanet 423, MedGen C2930980, MONDO:0007783, OMIM 145600.

Allele frequency attached by ClinVar (database versions not stated): gnomAD exomes 0.00002 and 0.00003; ExAC 0.00003; TOPMed 0.00003; gnomAD 0.00005.
gnomAD v4.1: 39 of 1,613,270 alleles (0.0024%); highest among the groups gnomAD compares: Non-Finnish European, 0.003%; no homozygotes.

Submissions (6):

Color Diagnostics, LLC DBA Color Health
Classification: Uncertain significance for Malignant hyperthermia, susceptibility to, 1. Last evaluated: 2025-07-09. Review status: criteria provided, single submitter. Criteria: ACMG Guidelines, 2015. Collection method: clinical testing. Allele origin: germline.
Comment: This missense variant replaces arginine with tryptophan at codon 2140 of the RYR1 protein. Computational prediction is inconclusive regarding the impact of this variant on protein structure and function. To our knowledge, functional studies have not been reported for this variant. This variant has not been reported in individuals affected with autosomal dominant malignant hyperthermia in the literature, although it is associated with other phenotype(s) (ClinVar Variation ID: 450761). This variant has been identified in 7/250448 chromosomes in the general population by the Genome Aggregation Database (gnomAD). Due to insufficient evidence, this variant is classified as a Variant of Uncertain Significance for autosomal dominant malignant hyperthermia.

GeneDx
Classification: Likely pathogenic. Last evaluated: 2025-03-27. Review status: criteria provided, single submitter. Criteria: GeneDx Variant Classification Process June 2021. Collection method: clinical testing. Allele origin: germline. Affected: yes.
Comment: Not observed at significant frequency in large population cohorts (gnomAD); In silico analysis supports that this missense variant has a deleterious effect on protein structure/function; This variant is associated with the following publications: (PMID: 12668474, 33767344, 30611313, 33176865)

All of Us Research Program, National Institutes of Health
Classification: Uncertain significance for Malignant hyperthermia, susceptibility to, 1. Last evaluated: 2023-12-13. Review status: criteria provided, single submitter. Criteria: ACMG Guidelines, 2015. Collection method: clinical testing. Allele origin: germline. Inheritance: Autosomal dominant inheritance. Observed: 10 variant alleles, 10 heterozygotes.
Comment: This missense variant replaces arginine with tryptophan at codon 2140 of the RYR1 protein. Computational prediction is inconclusive regarding the impact of this variant on protein structure and function (internally defined REVEL score threshold 0.5 < inconclusive < 0.7, PMID: 27666373). To our knowledge, functional studies have not been reported for this variant. This variant has not been reported in individuals affected with autosomal dominant malignant hyperthermia in the literature, although it is associated with other phenotype(s) (ClinVar Variation ID: 450761). This variant has been identified in 7/250448 chromosomes in the general population by the Genome Aggregation Database (gnomAD). Due to insufficient evidence, this variant is classified as a Variant of Uncertain Significance for autosomal dominant malignant hyperthermia.

This study involves interpretation of variants in research participants for the purpose of population health screening. Participant phenotype was not available at the time of variant classification. Additional details can be found in publication PMID: 35346344, PMCID: PMC8962531

PreventionGenetics, part of Exact Sciences
Classification: Uncertain significance for RYR1-related condition. Last evaluated: 2022-09-22. Review status: criteria provided, single submitter. Criteria: ACMG Guidelines, 2015. Collection method: clinical testing. Allele origin: germline.
Comment: The RYR1 c.6418C>T variant is predicted to result in the amino acid substitution p.Arg2140Trp. This variant has been reported in the compound heterozygous state in two individuals with presumed RYR1-related myopathies (Garibaldi et al 2019. PubMed ID: 30611313). This variant is reported in 0.0062% of alleles in individuals of European (Non-Finnish) descent in gnomAD. Although we suspect that this variant may be pathogenic, at this time, the clinical significance of this variant is uncertain due to the absence of conclusive functional and genetic evidence.

Labcorp Genetics (formerly Invitae), Labcorp
Classification: Uncertain significance for RYR1-related disorder. Last evaluated: 2021-09-01. Review status: criteria provided, single submitter. Criteria: Invitae Variant Classification Sherloc (09022015). Collection method: clinical testing. Allele origin: germline.
Comment: This sequence change replaces arginine with tryptophan at codon 2140 of the RYR1 protein (p.Arg2140Trp). The arginine residue is moderately conserved and there is a moderate physicochemical difference between arginine and tryptophan. This variant is present in population databases (rs750275456, ExAC 0.006%). This missense change has been observed in individual(s) with autosomal recessive RYR1-related conditions (PMID: 30611313). ClinVar contains an entry for this variant (Variation ID: 450761). Algorithms developed to predict the effect of missense changes on protein structure and function are either unavailable or do not agree on the potential impact of this missense change (SIFT: "Deleterious"; PolyPhen-2: "Benign"; Align-GVGD: "Class C0"). In summary, the available evidence is currently insufficient to determine the role of this variant in disease. Therefore, it has been classified as a Variant of Uncertain Significance.

Revvity Omics, Revvity
Classification: Uncertain significance. Last evaluated: 2020-07-08. Review status: criteria provided, single submitter. Criteria: ACMG Guidelines, 2015. Collection method: clinical testing. Allele origin: germline.

Literature cited by the submitters: PubMed 30611313 (cited by Labcorp Genetics (formerly Invitae), Labcorp).